The following is an entry in ClinVar:

NM_001605.3(AARS1):c.1492+3A>T

Gene: AARS1 (alanyl-tRNA synthetase 1; minus strand). Cytogenetic location: 16q22.1.
Variant type: single nucleotide variant.
Coding change: c.1492+3A>T on transcript NM_001605.3 (MANE Select); 3 bases into the intron after coding-DNA position 1492, A replaced by T.
Molecular consequence: intron variant.
Genome position (GRCh38, 1-based): chr16:70,264,955, T>A on the plus strand (A>T on the coding strand, the complement: AARS1 is on the minus strand). VCF-style: chr16-70264955-T-A. GRCh37 (hg19) VCF-style: chr16-70298858-T-A.
Identifiers: ClinVar variation 2151061 (VCV002151061.4), dbSNP rs938636092, ClinGen allele CA2580091919.

ClinVar aggregate classification (germline): Uncertain significance (1 of 4 stars; one submission).

Conditions:
Charcot-Marie-Tooth disease type 2. Also called: Charcot-Marie-Tooth type 2. Identifiers: Orphanet 64746, MedGen C0270914, MONDO:0018993.

Allele frequency attached by ClinVar (database versions not stated): gnomAD exomes below 0.00001.
gnomAD v4.1: 3 of 1,613,994 alleles (0.00019%); highest among the groups gnomAD compares: Non-Finnish European, 0.00017%; no homozygotes.

Submission:

Labcorp Genetics (formerly Invitae), Labcorp
Classification: Uncertain significance for Charcot-Marie-Tooth disease type 2. Last evaluated: 2022-03-19. Review status: criteria provided, single submitter. Criteria: Invitae Variant Classification Sherloc (09022015). Collection method: clinical testing. Allele origin: germline.
Comment: This sequence change falls in intron 11 of the AARS gene. It does not directly change the encoded amino acid sequence of the AARS protein. It affects a nucleotide within the consensus splice site. This variant is not present in population databases (gnomAD no frequency). This variant has not been reported in the literature in individuals affected with AARS-related conditions. Variants that disrupt the consensus splice site are a relatively common cause of aberrant splicing (PMID: 17576681, 9536098). Algorithms developed to predict the effect of sequence changes on RNA splicing suggest that this variant may disrupt the consensus splice site. In summary, the available evidence is currently insufficient to determine the role of this variant in disease. Therefore, it has been classified as a Variant of Uncertain Significance.

Literature cited by the submitters: PubMed 17576681; PubMed 9536098.